The following is an entry in ClinVar:

NM_001005242.3(PKP2):c.1663C>A (p.Pro555Thr)

Gene: PKP2 (plakophilin 2; minus strand). Cytogenetic location: 12p11.21.
Variant type: single nucleotide variant.
Coding change: c.1663C>A on transcript NM_001005242.3 (MANE Select); coding-DNA position 1663, C replaced by A.
Protein change: p.Pro555Thr; replaces proline 555 with threonine.
Molecular consequence: missense variant.
Genome position (GRCh38, 1-based): chr12:32,824,056, G>T on the plus strand (C>A on the coding strand, the complement: PKP2 is on the minus strand). VCF-style: chr12-32824056-G-T. GRCh37 (hg19) VCF-style: chr12-32976990-G-T.
Other names: c.1795C>A, p.Pro599Thr (NM_004572.4); short protein forms P555T, P599T.
Identifiers: ClinVar variation 862118 (VCV000862118.14), dbSNP rs771808028, ClinGen allele CA030699.
Genomic context (GRCh38, chr12:32,824,056, plus strand): 5'-TCTGAAGCATCTTAGTAAGACAAAACAGGATATTTATCTCTTGAATTACCTTGTCATCTG[G>T]CTGGTAATCTGCAATGGTTCCTCTGACATAATGGACCAGTGAGTCAATGAGTCCGTCACA-3'
Protein context (NP_001005242.2, residues 545-565): YVRGTIADYQ[Pro555Thr]DDKATENCVC

ClinVar aggregate classification (germline): Conflicting classifications of pathogenicity. Review status: criteria provided, conflicting classifications (1 of 4 stars). 5 submissions from 5 submitters: Uncertain significance (4); Likely benign (1). Last evaluated 2026-03-27.

Conditions:
PKP2-related disorder. Also called: PKP2-related condition.
Cardiomyopathy (CMYO). Also called: Cardiomyopathies. Identifiers: Orphanet 167848, MedGen C0878544, MONDO:0004994, HP:0001638. Inheritance: Various modes of inheritance.
Arrhythmogenic right ventricular dysplasia 9 (ARVD9). Also called: Arrhythmogenic Right Ventricular Dysplasia/Cardiomyopathy 9; ARRHYTHMOGENIC RIGHT VENTRICULAR DYSPLASIA, FAMILIAL, 9. Identifiers: MedGen C1836906, MONDO:0012180, OMIM 609040.

Allele frequency attached by ClinVar (database versions not stated): gnomAD below 0.00001 and 0.00001; ExAC 0.00001; TOPMed 0.00001; gnomAD exomes 0.00002 and 0.00003.
gnomAD v4.1: 29 of 1,565,454 alleles (0.0019%); highest among the groups gnomAD compares: South Asian, 0.03%; no homozygotes.

Submissions (5):

PreventionGenetics, part of Exact Sciences
Classification: Uncertain significance for PKP2-related condition. Last evaluated: 2026-03-27. Review status: criteria provided, single submitter. Criteria: ACMG Guidelines, 2015. Collection method: clinical testing. Allele origin: germline.
Comment: The PKP2 c.1795C>A variant is predicted to result in the amino acid substitution p.Pro599Thr. To our knowledge, this variant has not been reported in the literature. This variant is reported in 0.023% of alleles in individuals of South Asian descent in gnomAD, which may be too frequent to be a primary cause of disease. Although we suspect that this variant may be benign, at this time, the clinical significance of this variant is uncertain due to the absence of conclusive functional and genetic evidence.

Color Diagnostics, LLC DBA Color Health
Classification: Likely benign for Cardiomyopathy. Last evaluated: 2025-12-11. Review status: criteria provided, single submitter. Criteria: ACMG Guidelines, 2015. Collection method: clinical testing. Allele origin: germline.

GeneDx
Classification: Uncertain significance. Last evaluated: 2025-03-28. Review status: criteria provided, single submitter. Criteria: GeneDx Variant Classification Process June 2021. Collection method: clinical testing. Allele origin: germline. Affected: yes.
Comment: In silico analysis supports that this missense variant has a deleterious effect on protein structure/function; Has not been previously published as pathogenic or benign to our knowledge

Labcorp Genetics (formerly Invitae), Labcorp
Classification: Uncertain significance for Arrhythmogenic right ventricular dysplasia 9. Last evaluated: 2025-02-05. Review status: criteria provided, single submitter. Criteria: Invitae Variant Classification Sherloc (09022015). Collection method: clinical testing. Allele origin: germline.
Comment: This sequence change replaces proline, which is neutral and non-polar, with threonine, which is neutral and polar, at codon 599 of the PKP2 protein (p.Pro599Thr). This variant is present in population databases (rs771808028, gnomAD 0.02%). This variant has not been reported in the literature in individuals affected with PKP2-related conditions. ClinVar contains an entry for this variant (Variation ID: 862118). An algorithm developed to predict the effect of missense changes on protein structure and function (PolyPhen-2) suggests that this variant is likely to be disruptive. In summary, the available evidence is currently insufficient to determine the role of this variant in disease. Therefore, it has been classified as a Variant of Uncertain Significance.

Centre for Mendelian Genomics, University Medical Centre Ljubljana
Classification: Uncertain significance for Arrhythmogenic right ventricular dysplasia 9. Last evaluated: 2019-08-21. Review status: criteria provided, single submitter. Criteria: ACMG Guidelines, 2015. Collection method: clinical testing. Allele origin: unknown. Affected: yes.
Comment: This variant was classified as: Uncertain significance. The available evidence on this variant's pathogenicity is insufficient or conflicting. The following ACMG criteria were applied in classifying this variant: PM2.